The following is an entry in ClinVar:

ClinVar aggregate classification (germline): Pathogenic. Review status: criteria provided, single submitter (1 of 4 stars). 2 submissions from 2 submitters: Pathogenic (1). 1 of the submissions does not count toward it. Last evaluated 2022-06-14.

Conditions:
Cohen syndrome (COH1). Also called: PEPPER SYNDROME; Cutis verticis gyrata, retinitis pigmentosa, and sensorineural deafness. Identifiers: Orphanet 193, MedGen C0265223, MONDO:0008999, OMIM 216550.

Submissions (2):

Labcorp Genetics (formerly Invitae), Labcorp
Classification: Pathogenic for Cohen syndrome. Last evaluated: 2022-06-14. Review status: criteria provided, single submitter. Criteria: Invitae Variant Classification Sherloc (09022015). Collection method: clinical testing. Allele origin: germline.
Comment: This sequence change affects an acceptor splice site in intron 18 of the VPS13B gene. It is expected to disrupt RNA splicing. Variants that disrupt the donor or acceptor splice site typically lead to a loss of protein function (PMID: 16199547), and loss-of-function variants in VPS13B are known to be pathogenic (PMID: 15141358, 16648375, 20461111). This variant is not present in population databases (gnomAD no frequency). For these reasons, this variant has been classified as Pathogenic. Algorithms developed to predict the effect of sequence changes on RNA splicing suggest that this variant may disrupt the consensus splice site. ClinVar contains an entry for this variant (Variation ID: 56653). Disruption of this splice site has been observed in individual(s) with Cohen syndrome (PMID: 19006247). It has also been observed to segregate with disease in related individuals.

Juha Muilu Group; Institute for Molecular Medicine Finland (FIMM)
Classification: Likely pathogenic for Cohen syndrome. Review status: no assertion criteria provided. Collection method: not provided. Allele origin: unknown. Not counted in ClinVar's aggregate classification.
Comment: FinDis database variant: This variant was not found or characterized by our laboratory, data were collected from public sources: see reference
ClinVar note: Converted during submission from probable-pathogenic to Likely pathogenic.

Literature cited by the submitters: PubMed 16199547 (cited by Labcorp Genetics (formerly Invitae), Labcorp); PubMed 15141358 (cited by Labcorp Genetics (formerly Invitae), Labcorp); PubMed 16648375 (cited by Labcorp Genetics (formerly Invitae), Labcorp); PubMed 20461111 (cited by Labcorp Genetics (formerly Invitae), Labcorp); PubMed 19006247 (cited by Labcorp Genetics (formerly Invitae), Labcorp).

NM_152564.5(VPS13B):c.2651-1G>A

Gene: VPS13B (vacuolar protein sorting 13 homolog B; plus strand). Cytogenetic location: 8q22.2.
Variant type: single nucleotide variant.
Coding change: c.2651-1G>A on transcript NM_152564.5 (MANE Select); the canonical splice acceptor site of the intron before coding-DNA position 2651, G replaced by A.
Molecular consequence: splice acceptor variant.
Genome position (GRCh38, 1-based): chr8:99,275,080, G>A. VCF-style: chr8-99275080-G-A. GRCh37 (hg19) VCF-style: chr8-100287308-G-A.
Other names: c.2651-1G>A (NM_017890.5).
Identifiers: ClinVar variation 56653 (VCV000056653.7), dbSNP rs386834077, ClinGen allele CA264051.